The following is an entry in ClinVar:

ClinVar aggregate classification (germline): Uncertain significance (1 of 4 stars; one submission).

Conditions:
Polycystic kidney disease, adult type (PKD1). Also called: POLYCYSTIC KIDNEY DISEASE, ADULT, TYPE I; Polycystic Kidney Disease 1, Autosomal Dominant; Polycystic kidney disease 1; Polycystic kidney disease 1, severe; Polycystic Kidney, Autosomal Dominant; POLYCYSTIC KIDNEY DISEASE 1 WITH OR WITHOUT POLYCYSTIC LIVER DISEASE. Identifiers: MedGen C3149841, MONDO:0008263, OMIM 173900.

gnomAD v4.1: 11 of 1,380,490 alleles (0.0008%); highest among the groups gnomAD compares: Admixed American, 0.0036%; no homozygotes.

Submission:

Laboratorio de Genetica e Diagnostico Molecular, Hospital Israelita Albert Einstein
Classification: Uncertain significance for Polycystic kidney disease, adult type. Last evaluated: 2023-07-26. Review status: criteria provided, single submitter. Criteria: ACMG Guidelines, 2015. Collection method: clinical testing. Allele origin: germline. Affected: yes.
Comment: ACMG classification criteria: PM2 moderate, BP4 supporting

NM_001009944.3(PKD1):c.11651G>A (p.Ser3884Asn)

Genes: PKD1 (polycystin 1, transient receptor potential channel interacting; minus strand), PKD1-AS1 (PKD1 antisense RNA 1; plus strand). Cytogenetic location: 16p13.3.
Variant type: single nucleotide variant.
Coding change: c.11651G>A on transcript NM_001009944.3 (MANE Select); coding-DNA position 11651, G replaced by A.
Protein change: p.Ser3884Asn; replaces serine 3884 with asparagine.
Molecular consequence: missense variant. On other transcripts: non-coding transcript variant (1).
Genome position (GRCh38, 1-based): chr16:2,091,484, C>T on the plus strand (G>A on the coding strand, the complement: PKD1 is on the minus strand). VCF-style: chr16-2091484-C-T. GRCh37 (hg19) VCF-style: chr16-2141485-C-T.
Other names: c.11648G>A, p.Ser3883Asn (NM_000296.4); short protein forms S3883N, S3884N.
Identifiers: ClinVar variation 4056728 (VCV004056728.1).